The following is an entry in ClinVar:

ClinVar aggregate classification (germline): Uncertain significance (1 of 4 stars; one submission).

Allele frequency attached by ClinVar (database versions not stated): gnomAD exomes below 0.00001; TOPMed 0.00001.
gnomAD v4.1: 1 of 1,613,808 alleles (0.000062%); highest among the groups gnomAD compares: Non-Finnish European, 0.000085%; no homozygotes.

Submission:

Labcorp Genetics (formerly Invitae), Labcorp
Classification: Uncertain significance. Last evaluated: 2023-01-15. Review status: criteria provided, single submitter. Criteria: Invitae Variant Classification Sherloc (09022015). Collection method: clinical testing. Allele origin: germline.
Comment: In summary, the available evidence is currently insufficient to determine the role of this variant in disease. Therefore, it has been classified as a Variant of Uncertain Significance. Algorithms developed to predict the effect of missense changes on protein structure and function are either unavailable or do not agree on the potential impact of this missense change (SIFT: "Deleterious"; PolyPhen-2: "Benign"; Align-GVGD: "Class C0"). This variant has not been reported in the literature in individuals affected with CFH-related conditions. This variant is not present in population databases (gnomAD no frequency). This sequence change replaces alanine, which is neutral and non-polar, with valine, which is neutral and non-polar, at codon 943 of the CFH protein (p.Ala943Val).

NM_000186.4(CFH):c.2828C>T (p.Ala943Val)

Gene: CFH (complement factor H; plus strand). Cytogenetic location: 1q31.3.
Variant type: single nucleotide variant.
Coding change: c.2828C>T on transcript NM_000186.4 (MANE Select); coding-DNA position 2828, C replaced by T.
Protein change: p.Ala943Val; replaces alanine 943 with valine.
Molecular consequence: missense variant.
Genome position (GRCh38, 1-based): chr1:196,740,664, C>T. VCF-style: chr1-196740664-C-T. GRCh37 (hg19) VCF-style: chr1-196709794-C-T.
Other names: short protein forms A943V.
Identifiers: ClinVar variation 2873928 (VCV002873928.3), dbSNP rs1652780322, ClinGen allele CA343981025.
Genomic context (GRCh38, chr1:196,740,664, plus strand): 5'-TTCTTTTTTTTTTAGGCCTTCCTTGTAAATCTCCACCTGAGATTTCTCATGGTGTTGTAG[C>T]TCACATGTCAGACAGTTATCAGTATGGAGAAGAAGTTACGTACAAATGTTTTGAAGGTTT-3'
Protein context (NP_000177.2, residues 933-953): SPPEISHGVV[Ala943Val]HMSDSYQYGE